The following is an entry in ClinVar:

ClinVar aggregate classification (germline): Likely pathogenic (1 of 4 stars; one submission).

Conditions:
Agenesis of the corpus callosum with peripheral neuropathy (ACCPN). Also called: CHARLEVOIX DISEASE; HMSN/ACC; Hereditary Motor and Sensory Neuropathy with Agenesis of the Corpus Callosum; POLYNEUROPATHY, SENSORIMOTOR, WITH OR WITHOUT AGENESIS OF THE CORPUS CALLOSUM. Identifiers: Orphanet 1496, MedGen C0795950, MONDO:0000902, OMIM 218000. Disease mechanism: loss of function.

gnomAD v4.1: 2 of 1,600,092 alleles (0.00012%); highest among the groups gnomAD compares: Non-Finnish European, 0.00017%; no homozygotes.

Submission:

Natera, Inc.
Classification: Likely pathogenic for Andermann syndrome. Last evaluated: 2025-08-20. Review status: criteria provided, single submitter. Criteria: Natera Variant Classification Schema (03/2026). Collection method: clinical testing. Allele origin: germline.
Comment: The c.1334-2A>G variant in SLC12A6 is a canonical splice acceptor site variant predicted to affect pre-mRNA splicing, which may result in an abnormal transcript and altered protein product. This variant is expected to result in nonsense mediated decay, truncation, or a dysfunctional protein product. This variant is rare in the general population with a frequency below the threshold expected for the associated phenotype(s). Given the available evidence, this variant is classified as Likely Pathogenic.

NM_001365088.1(SLC12A6):c.1334-2A>G

Gene: SLC12A6 (solute carrier family 12 member 6; minus strand). Cytogenetic location: 15q14.
Variant type: single nucleotide variant.
Coding change: c.1334-2A>G on transcript NM_001365088.1 (MANE Select); the canonical splice acceptor site of the intron before coding-DNA position 1334, A replaced by G.
Molecular consequence: splice acceptor variant.
Genome position (GRCh38, 1-based): chr15:34,251,059, T>C on the plus strand (A>G on the coding strand, the complement: SLC12A6 is on the minus strand). VCF-style: chr15-34251059-T-C. GRCh37 (hg19) VCF-style: chr15-34543260-T-C.
Other names: c.1157-2A>G (NM_001042495.2, NM_001042494.2); c.1307-2A>G (NM_001042496.2); c.1289-2A>G (NM_001042497.2); c.1334-2A>G (NM_133647.2); c.1181-2A>G (NM_005135.2).
Identifiers: ClinVar variation 4816512 (VCV004816512.1).